The following is an entry in ClinVar:

ClinVar aggregate classification (germline): Uncertain significance. Review status: criteria provided, multiple submitters, no conflicts (2 of 4 stars). 2 submissions from 2 submitters: Uncertain significance (2). Last evaluated 2017-08-24.

Conditions:
Hereditary cancer-predisposing syndrome. Also called: Hereditary Cancer Syndrome; Neoplastic Syndromes, Hereditary; Tumor predisposition; Hereditary neoplastic syndrome. Identifiers: Orphanet 140162, MedGen C0027672, MeSH D009386, MONDO:0015356.
Hereditary nonpolyposis colorectal neoplasms. Identifiers: MedGen C0009405, MeSH D003123.

gnomAD v4.1: 1 of 1,614,136 alleles (0.000062%); highest among the groups gnomAD compares: Non-Finnish European, 0.000085%; no homozygotes.

Submissions (2):

Labcorp Genetics (formerly Invitae), Labcorp
Classification: Uncertain significance for Hereditary nonpolyposis colorectal neoplasms. Last evaluated: 2017-08-24. Review status: criteria provided, single submitter. Criteria: Invitae Variant Classification Sherloc (09022015). Collection method: clinical testing. Allele origin: germline.
Comment: In summary, the available evidence is currently insufficient to determine the role of this variant in disease. Therefore, it has been classified as a Variant of Uncertain Significance. Algorithms developed to predict the effect of sequence changes on RNA splicing suggest that this variant may create or strengthen a splice site, but this prediction has not been confirmed by published transcriptional studies. Algorithms developed to predict the effect of missense changes on protein structure and function output the following: SIFT: "Tolerated"; PolyPhen-2: "Benign"; Align-GVGD: "Class C0". The phenylalanine amino acid residue is found in multiple mammalian species, suggesting that this missense change does not adversely affect protein function. These predictions have not been confirmed by published functional studies and their clinical significance is uncertain. This variant has not been reported in the literature in individuals with MSH6-related disease. This variant is not present in population databases (ExAC no frequency). This sequence change replaces leucine with phenylalanine at codon 1167 of the MSH6 protein (p.Leu1167Phe). The leucine residue is highly conserved and there is a small physicochemical difference between leucine and phenylalanine.

Ambry Genetics
Classification: Uncertain significance for Hereditary cancer-predisposing syndrome. Last evaluated: 2017-08-22. Review status: criteria provided, single submitter. Criteria: Ambry Variant Classification Scheme 2023. Collection method: clinical testing. Allele origin: germline.
Comment: The p.L1167F variant (also known as c.3499C>T), located in coding exon 6 of the MSH6 gene, results from a C to T substitution at nucleotide position 3499. The leucine at codon 1167 is replaced by phenylalanine, an amino acid with highly similar properties. This amino acid position is not well conserved in available vertebrate species. In addition, the in silico prediction for this alteration is inconclusive. In addition, the CoDP in silico tool predicts this alteration to likely impair molecular function, with a score of 0.887 (Terui H et al. J. Biomed. Sci. 2013 Apr;20:25). Since supporting evidence is limited at this time, the clinical significance of this alteration remains unclear.

NM_000179.3(MSH6):c.3499C>T (p.Leu1167Phe)

Gene: MSH6 (mutS homolog 6; plus strand). Cytogenetic location: 2p16.3.
Variant type: single nucleotide variant.
Coding change: c.3499C>T on transcript NM_000179.3 (MANE Select); coding-DNA position 3499, C replaced by T.
Protein change: p.Leu1167Phe; replaces leucine 1167 with phenylalanine.
Molecular consequence: missense variant.
Genome position (GRCh38, 1-based): chr2:47,804,970, C>T. VCF-style: chr2-47804970-C-T. GRCh37 (hg19) VCF-style: chr2-48032109-C-T.
Other names: c.3109C>T, p.Leu1037Phe (NM_001281492.2); c.2593C>T, p.Leu865Phe (NM_001281493.2, NM_001281494.2); short protein forms L1167F, L865F, L1037F.
Identifiers: ClinVar variation 479979 (VCV000479979.13), dbSNP rs1553332217, ClinGen allele CA346760168.